The following is an entry in ClinVar:

NM_005670.4(EPM2A):c.595G>T (p.Val199Leu)

Gene: EPM2A (EPM2A glucan phosphatase, laforin; minus strand). Cytogenetic location: 6q24.3.
Variant type: single nucleotide variant.
Coding change: c.595G>T on transcript NM_005670.4 (MANE Select); coding-DNA position 595, G replaced by T.
Protein change: p.Val199Leu; replaces valine 199 with leucine.
Molecular consequence: missense variant. On other transcripts: intron variant (1).
Genome position (GRCh38, 1-based): chr6:145,635,368, C>A on the plus strand (G>T on the coding strand, the complement: EPM2A is on the minus strand). VCF-style: chr6-145635368-C-A. GRCh37 (hg19) VCF-style: chr6-145956504-C-A.
Other names: c.595G>T, p.Val199Leu (NM_001018041.2, NM_001368130.1); c.181G>T, p.Val61Leu (NM_001360064.2, NM_001360071.2, NM_001368131.1); c.133G>T, p.Val45Leu (NM_001368129.2, NM_001368132.1); c.477-7675G>T (NM_001360057.2); short protein forms V199L, V45L, V61L.
Identifiers: ClinVar variation 588602 (VCV000588602.13), dbSNP rs367827948, ClinGen allele CA4035136.

ClinVar aggregate classification (germline): Uncertain significance. Review status: criteria provided, multiple submitters, no conflicts (2 of 4 stars). 3 submissions from 3 submitters: Uncertain significance (3). Last evaluated 2023-12-05.

Conditions:
Progressive myoclonic epilepsy. Also called: Familial progressive myoclonic epilepsy; Myoclonus epilepsy; Progressive myoclonus epilepsy; Myoclonic Epilepsies, Progressive. Identifiers: Orphanet 308, Orphanet 98261, MedGen C0751778, MONDO:0020074.
Inborn genetic diseases. Identifiers: MedGen C0950123, MeSH D030342.

Allele frequency attached by ClinVar (database versions not stated): gnomAD 0.00002; ExAC 0.00005; TOPMed 0.00005; gnomAD exomes 0.00006; ESP Exome Variant Server 0.00008.
gnomAD v4.1: 175 of 1,614,044 alleles (0.011%); highest among the groups gnomAD compares: Non-Finnish European, 0.014%; no homozygotes.

Submissions (3):

GeneDx
Classification: Uncertain significance. Last evaluated: 2023-12-05. Review status: criteria provided, single submitter. Criteria: GeneDx Variant Classification Process June 2021. Collection method: clinical testing. Allele origin: germline. Affected: yes.
Comment: Not observed at significant frequency in large population cohorts (gnomAD); In silico analysis supports that this missense variant does not alter protein structure/function; Has not been previously published as pathogenic or benign to our knowledge; In silico analysis suggests this variant may impact gene splicing. In the absence of RNA/functional studies, the actual effect of this sequence change is unknown.

Labcorp Genetics (formerly Invitae), Labcorp
Classification: Uncertain significance for Progressive myoclonic epilepsy. Last evaluated: 2021-09-08. Review status: criteria provided, single submitter. Criteria: Invitae Variant Classification Sherloc (09022015). Collection method: clinical testing. Allele origin: germline.
Comment: This sequence change replaces valine with leucine at codon 199 of the EPM2A protein (p.Val199Leu). The valine residue is moderately conserved and there is a small physicochemical difference between valine and leucine. This variant is present in population databases (rs367827948, ExAC 0.009%). This variant has not been reported in the literature in individuals affected with EPM2A-related conditions. ClinVar contains an entry for this variant (Variation ID: 588602). Algorithms developed to predict the effect of missense changes on protein structure and function (SIFT, PolyPhen-2, Align-GVGD) all suggest that this variant is likely to be tolerated. In summary, the available evidence is currently insufficient to determine the role of this variant in disease. Therefore, it has been classified as a Variant of Uncertain Significance.

Ambry Genetics
Classification: Uncertain significance for Inborn genetic diseases. Last evaluated: 2016-12-27. Review status: criteria provided, single submitter. Criteria: Ambry Variant Classification Scheme 2023. Collection method: clinical testing. Allele origin: germline.
Comment: The p.V199L variant (also known as c.595G>T), located in coding exon 3 of the EPM2A gene, results from a G to T substitution at nucleotide position 595. The valine at codon 199 is replaced by leucine, an amino acid with highly similar properties. This amino acid position is not well conserved in available vertebrate species. In addition, this alteration is predicted to be tolerated by in silico analysis. Since supporting evidence is limited at this time, the clinical significance of this variant remains unclear.